The following is an entry in ClinVar:

ClinVar aggregate classification (germline): Uncertain significance (1 of 4 stars; one submission).

Conditions:
Hereditary cancer-predisposing syndrome. Also called: Hereditary neoplastic syndrome; Neoplastic Syndromes, Hereditary; Tumor predisposition; Hereditary Cancer Syndrome. Identifiers: Orphanet 140162, MedGen C0027672, MeSH D009386, MONDO:0015356.

Submission:

Ambry Genetics
Classification: Uncertain significance for Hereditary cancer-predisposing syndrome. Last evaluated: 2025-02-08. Review status: criteria provided, single submitter. Criteria: Ambry Variant Classification Scheme 2023. Collection method: clinical testing. Allele origin: germline.
Comment: The p.T287I variant (also known as c.860C>T), located in coding exon 7 of the CDH1 gene, results from a C to T substitution at nucleotide position 860. The threonine at codon 287 is replaced by isoleucine, an amino acid with similar properties. This amino acid position is conserved. In addition, the in silico prediction for this alteration is inconclusive. Based on the available evidence, the clinical significance of this variant remains unclear.

NM_004360.5(CDH1):c.860C>T (p.Thr287Ile)

Gene: CDH1 (cadherin 1; plus strand). Cytogenetic location: 16q22.1.
Variant type: single nucleotide variant.
Coding change: c.860C>T on transcript NM_004360.5 (MANE Select); coding-DNA position 860, C replaced by T.
Protein change: p.Thr287Ile; replaces threonine 287 with isoleucine.
Molecular consequence: missense variant. On other transcripts: 5 prime UTR variant (2).
Genome position (GRCh38, 1-based): chr16:68,811,711, C>T. VCF-style: chr16-68811711-C-T. GRCh37 (hg19) VCF-style: chr16-68845614-C-T.
Other names: c.860C>T, p.Thr287Ile (NM_001317184.2); c.-756C>T (NM_001317185.2); c.-960C>T (NM_001317186.2); short protein forms T287I.
Identifiers: ClinVar variation 3829997 (VCV003829997.1).